The following is an entry in ClinVar:

ClinVar aggregate classification (germline): Benign (1 of 4 stars; one submission).

Conditions:
Progressive myositis ossificans (FOP). Also called: Myositis ossificans progressiva; Progressive ossifying myositis; Fibrodysplasia Ossificans Progressiva. Identifiers: Orphanet 337, MedGen C0016037, MONDO:0007606, OMIM 135100.

Allele frequency attached by ClinVar (database versions not stated): gnomAD 0.00109 and 0.00118; 1000 Genomes Project 0.00120; 1000 Genomes Project 30x 0.00125; TOPMed 0.00144.
gnomAD v4.1: 167 of 152,342 alleles (0.11%); highest among the groups gnomAD compares: African/African-American, 0.37%; no homozygotes.

Submission:

Illumina Laboratory Services, Illumina
Classification: Benign for Progressive myositis ossificans. Last evaluated: 2018-01-12. Review status: criteria provided, single submitter. Criteria: ICSL Variant Classification Criteria 13 December 2019. Collection method: clinical testing. Allele origin: germline.
Comment: This variant was observed in the ICSL laboratory as part of a predisposition screen in an ostensibly healthy population. It had not been previously curated by ICSL or reported in the Human Gene Mutation Database (HGMD: prior to June 1st, 2018), and was therefore a candidate for classification through an automated scoring system. Utilizing variant allele frequency, disease prevalence and penetrance estimates, and inheritance mode, an automated score was calculated to assess if this variant is too frequent to cause the disease. Based on the score and internal cut-off values, a variant classified as benign is not then subjected to further curation. The score for this variant resulted in a classification of benign for this disease.

NM_001111067.4(ACVR1):c.-13A>G

Gene: ACVR1 (activin A receptor type 1; minus strand). Cytogenetic location: 2q24.1.
Variant type: single nucleotide variant.
Coding change: c.-13A>G on transcript NM_001111067.4 (MANE Select); 13 bases upstream of the start codon, A replaced by G.
Molecular consequence: 5 prime UTR variant.
Genome position (GRCh38, 1-based): chr2:157,818,390, T>C on the plus strand (A>G on the coding strand, the complement: ACVR1 is on the minus strand). VCF-style: chr2-157818390-T-C. GRCh37 (hg19) VCF-style: chr2-158674902-T-C.
Other names: c.-13A>G (NM_001105.5, NM_001347663.1, NM_001347664.1 and 3 more transcripts).
Identifiers: ClinVar variation 331700 (VCV000331700.5), dbSNP rs113455580, ClinGen allele CA10612655.
Genomic context (GRCh38, chr2:157,818,390, plus strand): 5'-TGCTGGTTCTGGCAATGCCGTTCTGAGAGCTCCTGGGTAAAGCTTACTCAGCTACCTTAA[T>C]GCAGGCTCTTGGTCACATCTGCCCACAGTCCTTCAAGCCGCGTGCCCTCGTTCAGAGCTT-3'